The following is an entry in ClinVar:

ClinVar aggregate classification (germline): Uncertain significance (1 of 4 stars; one submission).

Submission:

ISCA site 14
Classification: Uncertain significance. Last evaluated: 2011-08-12. Review status: criteria provided, single submitter. Criteria: Kaminsky et al. (Genet Med. 2011). Collection method: clinical testing. Allele origin: unknown. Affected: yes. Observed: 1 variant allele.
Comment: Copy number variation identified through the course of routine clinical cytogenomic testing in postnatal populations. Clinical assertions have been curated as described in Kaminsky et al. 2011.

GRCh38/hg38 16q23.1(chr16:76877375-77933220)x3

Genes: ADAMTS18 (ADAM metallopeptidase with thrombospondin type 1 motif 18; minus strand), LINC02131 (long intergenic non-protein coding RNA 2131; plus strand), MON1B (MON1 homolog B, secretory trafficking associated; plus strand), NUDT7 (nudix hydrolase 7; plus strand), SYCE1L (synaptonemal complex central element protein 1 like; plus strand) and 22 more. Cytogenetic location: 16q23.1.
Variant type: copy number gain.
Change: copy number 3 (three copies instead of two) of chr16:76,877,375-77,933,220 (1.06 Mb, GRCh38 coordinates, 1-based), cytogenetic band 16q23.1.
Identifiers: ClinVar variation 60024 (VCV000060024.1).